The following is an entry in ClinVar:

NM_000551.4(VHL):c.170G>C (p.Gly57Ala)

Gene: VHL (von Hippel-Lindau tumor suppressor; plus strand). Cytogenetic location: 3p25.3.
Variant type: single nucleotide variant.
Coding change: c.170G>C on transcript NM_000551.4 (MANE Select); coding-DNA position 170, G replaced by C.
Protein change: p.Gly57Ala; replaces glycine 57 with alanine.
Molecular consequence: missense variant.
Genome position (GRCh38, 1-based): chr3:10,142,017, G>C. VCF-style: chr3-10142017-G-C. GRCh37 (hg19) VCF-style: chr3-10183701-G-C.
Other names: c.170G>C, p.Gly57Ala (NM_001354723.2, NM_198156.3); short protein forms G57A.
Identifiers: ClinVar variation 526668 (VCV000526668.10), dbSNP rs764755691, ClinGen allele CA351748619.

ClinVar aggregate classification (germline): Uncertain significance. Review status: criteria provided, multiple submitters, no conflicts (2 of 4 stars). 2 submissions from 2 submitters: Uncertain significance (2). Last evaluated 2026-01-05.

Conditions:
Hereditary cancer-predisposing syndrome. Also called: Neoplastic Syndromes, Hereditary; Tumor predisposition; Hereditary neoplastic syndrome; Hereditary Cancer Syndrome. Identifiers: Orphanet 140162, MedGen C0027672, MeSH D009386, MONDO:0015356.
Chuvash polycythemia. Also called: POLYCYTHEMIA, VHL-DEPENDENT. Identifiers: Orphanet 238557, MedGen C1837915, MONDO:0009892, OMIM 263400.
Von Hippel-Lindau syndrome (VHLS). Also called: von Hippel–Lindau syndrome; VHL syndrome; Von Hippel-Lindau. Identifiers: Orphanet 892, MedGen C0019562, MONDO:0008667, OMIM 193300. Disease mechanism: loss of function.

Allele frequency attached by ClinVar (database versions not stated): gnomAD exomes below 0.00001.
gnomAD v4.1: 2 of 1,591,210 alleles (0.00013%); no homozygotes.

Submissions (2):

Labcorp Genetics (formerly Invitae), Labcorp
Classification: Uncertain significance for Von Hippel-Lindau syndrome; Chuvash polycythemia. Last evaluated: 2026-01-05. Review status: criteria provided, single submitter. Criteria: Invitae Variant Classification Sherloc (09022015). Collection method: clinical testing. Allele origin: germline.
Comment: This sequence change replaces glycine, which is neutral and non-polar, with alanine, which is neutral and non-polar, at codon 57 of the VHL protein (p.Gly57Ala). This variant is not present in population databases (gnomAD no frequency). This variant has not been reported in the literature in individuals affected with VHL-related conditions. ClinVar contains an entry for this variant (Variation ID: 526668). Invitae Evidence Modeling of protein sequence and biophysical properties (such as structural, functional, and spatial information, amino acid conservation, physicochemical variation, residue mobility, and thermodynamic stability) has been performed for this missense variant. However, the output from this modeling did not meet the statistical confidence thresholds required to predict the impact of this variant on VHL protein function. In summary, the available evidence is currently insufficient to determine the role of this variant in disease. Therefore, it has been classified as a Variant of Uncertain Significance.

Ambry Genetics
Classification: Uncertain significance for Hereditary cancer-predisposing syndrome. Last evaluated: 2023-11-17. Review status: criteria provided, single submitter. Criteria: Ambry Variant Classification Scheme 2023. Collection method: clinical testing. Allele origin: germline.
Comment: The p.G57A variant (also known as c.170G>C), located in coding exon 1 of the VHL gene, results from a G to C substitution at nucleotide position 170. The glycine at codon 57 is replaced by alanine, an amino acid with similar properties. This amino acid position is well conserved in available vertebrate species. In addition, this alteration is predicted to be tolerated by in silico analysis. Since supporting evidence is limited at this time, the clinical significance of this alteration remains unclear.